The following is an entry in ClinVar:

ClinVar aggregate classification (germline): Uncertain significance (1 of 4 stars; one submission).

Conditions:
Pallister-Hall syndrome (PHS). Also called: HYPOTHALAMIC HAMARTOBLASTOMA, HYPOPITUITARISM, IMPERFORATE ANUS, AND POSTAXIAL POLYDACTYLY; GLI3-Related Pallister-Hall Syndrome. Identifiers: Orphanet 672, MedGen C0265220, MONDO:0007804, OMIM 146510.
Greig cephalopolysyndactyly syndrome (GCPS). Also called: POLYSYNDACTYLY WITH PECULIAR SKULL SHAPE; Greig syndrome; GLI3-Related Greig Cephalopolysyndactyly Syndrome. Identifiers: Orphanet 380, MedGen C0265306, MONDO:0008287, OMIM 175700.

Submission:

Labcorp Genetics (formerly Invitae), Labcorp
Classification: Uncertain significance for Pallister-Hall syndrome; Greig cephalopolysyndactyly syndrome. Last evaluated: 2025-04-17. Review status: criteria provided, single submitter. Criteria: Invitae Variant Classification Sherloc (09022015). Collection method: clinical testing. Allele origin: germline.
Comment: This sequence change replaces histidine, which is basic and polar, with proline, which is neutral and non-polar, at codon 6 of the GLI3 protein (p.His6Pro). This variant is not present in population databases (gnomAD no frequency). This variant has not been reported in the literature in individuals affected with GLI3-related conditions. ClinVar contains an entry for this variant (Variation ID: 2940921). Invitae Evidence Modeling of protein sequence and biophysical properties (such as structural, functional, and spatial information, amino acid conservation, physicochemical variation, residue mobility, and thermodynamic stability) indicates that this missense variant is not expected to disrupt GLI3 protein function with a negative predictive value of 95%. In summary, the available evidence is currently insufficient to determine the role of this variant in disease. Therefore, it has been classified as a Variant of Uncertain Significance.

NM_000168.6(GLI3):c.17A>C (p.His6Pro)

Gene: GLI3 (GLI family zinc finger 3; minus strand). Cytogenetic location: 7p14.1.
Variant type: single nucleotide variant.
Coding change: c.17A>C on transcript NM_000168.6 (MANE Select); coding-DNA position 17, A replaced by C.
Protein change: p.His6Pro; replaces histidine 6 with proline.
Molecular consequence: missense variant.
Genome position (GRCh38, 1-based): chr7:42,223,237, T>G on the plus strand (A>C on the coding strand, the complement: GLI3 is on the minus strand). VCF-style: chr7-42223237-T-G. GRCh37 (hg19) VCF-style: chr7-42262836-T-G.
Other names: short protein forms H6P.
Identifiers: ClinVar variation 2940921 (VCV002940921.3), dbSNP rs2485264374, ClinGen allele CA367551312.